The following is an entry in ClinVar:

ClinVar aggregate classification (germline): Benign. Review status: criteria provided, multiple submitters, no conflicts (2 of 4 stars). 2 submissions from 2 submitters: Benign (2). Last evaluated 2018-01-13.

Conditions:
Dermatofibrosis lenticularis disseminata (BOS). Also called: DERMATOFIBROSIS LENTICULARIS DISSEMINATA WITH OSTEOPOIKILOSIS; DERMATOOSTEOPOIKILOSIS; OSTEOPATHIA CONDENSANS DISSEMINATA. Identifiers: Orphanet 1306, MedGen C0265514, MONDO:0008157, OMIM 166700.

Allele frequency attached by ClinVar (database versions not stated): gnomAD exomes 0.00234; 1000 Genomes Project 0.00319; 1000 Genomes Project 30x 0.00375; gnomAD 0.00448 and 0.00452; TOPMed 0.00468.
gnomAD v4.1: 681 of 152,696 alleles (0.45%); highest among the groups gnomAD compares: Non-Finnish European, 0.72%; 2 homozygotes.

Submissions (2):

Illumina Laboratory Services, Illumina
Classification: Benign for Dermatofibrosis lenticularis disseminata. Last evaluated: 2018-01-13. Review status: criteria provided, single submitter. Criteria: ICSL Variant Classification Criteria 13 December 2019. Collection method: clinical testing. Allele origin: germline.
Comment: This variant was observed in the ICSL laboratory as part of a predisposition screen in an ostensibly healthy population. It had not been previously curated by ICSL or reported in the Human Gene Mutation Database (HGMD: prior to June 1st, 2018), and was therefore a candidate for classification through an automated scoring system. Utilizing variant allele frequency, disease prevalence and penetrance estimates, and inheritance mode, an automated score was calculated to assess if this variant is too frequent to cause the disease. Based on the score and internal cut-off values, a variant classified as benign is not then subjected to further curation. The score for this variant resulted in a classification of benign for this disease.

Breakthrough Genomics
Classification: Benign. Review status: criteria provided, single submitter. Criteria: ACMG Guidelines, 2015. Collection method: not provided. Allele origin: germline. Inheritance: Autosomal dominant inheritance. Affected: yes.

NM_014319.5(LEMD3):c.*884A>G

Gene: LEMD3 (LEM domain containing 3; plus strand). Cytogenetic location: 12q14.3.
Variant type: single nucleotide variant.
Coding change: c.*884A>G on transcript NM_014319.5 (MANE Select); 884 bases downstream of the stop codon, A replaced by G.
Molecular consequence: 3 prime UTR variant.
Genome position (GRCh38, 1-based): chr12:65,247,209, A>G. VCF-style: chr12-65247209-A-G. GRCh37 (hg19) VCF-style: chr12-65640989-A-G.
Other names: c.*884A>G (NM_001167614.2).
Identifiers: ClinVar variation 310250 (VCV000310250.6), dbSNP rs117029005, ClinGen allele CA10642341.
Genomic context (GRCh38, chr12:65,247,209, plus strand): 5'-TAGGTTTTATATAAAAATGTCTGAGTATGATTTTGTGTGAAAGTTCTGATACCAGTTGTA[A>G]TAGAGTCAAATTTATGTGAGCAATAAAGAAGAAATTGGCAGATATTGGAAAAATATTTTG-3'